The following is an entry in ClinVar:

ClinVar aggregate classification (germline): Pathogenic (1 of 4 stars; one submission).

Submission:

Labcorp Genetics (formerly Invitae), Labcorp
Classification: Pathogenic. Last evaluated: 2023-10-17. Review status: criteria provided, single submitter. Criteria: Invitae Variant Classification Sherloc (09022015). Collection method: clinical testing. Allele origin: unknown.
Comment: This variant is a gross deletion of the genomic region encompassing exon(s) 11-12 of the PIGB gene, which includes the termination codon. This deletion extends beyond the assayed region for this gene and therefore may encompass additional genes. While this deletion is not anticipated to lead to nonsense mediated decay, it is expected to alter mRNA translation or result in a truncated protein product. This variant has not been reported in the literature in individuals affected with PIGB-related conditions. This variant disrupts a region of the PIGB protein in which other variant(s) (p.Ile537Met) have been determined to be pathogenic (PMID: 31256876). This suggests that this is a clinically significant region of the protein, and that variants that disrupt it are likely to be disease-causing. For these reasons, this variant has been classified as Pathogenic.

Literature cited by the submitters: PubMed 31256876.

NC_000015.9:g.(?_55646976)_(55647630_?)del

Genes: CCPG1 (cell cycle progression 1; minus strand), PIGB (phosphatidylinositol glycan anchor biosynthesis class B; plus strand). Cytogenetic location: 15q21.3.
Variant type: Deletion.
Identifiers: ClinVar variation 3243875 (VCV003243875.1).